The following is an entry in ClinVar:

ClinVar aggregate classification (germline): Uncertain significance (1 of 4 stars; one submission).

Conditions:
Familial hypocalciuric hypercalcemia (FHH). Also called: Familial benign hypercalcemia. Identifiers: Orphanet 405, MedGen C1809471, MONDO:0018458.
Autosomal dominant hypocalcemia 1 (HYPOC1). Also called: HYPOCALCEMIA, FAMILIAL. Identifiers: MedGen C3715128, MONDO:0011013, OMIM 601198.

Submission:

Labcorp Genetics (formerly Invitae), Labcorp
Classification: Uncertain significance for Familial hypocalciuric hypercalcemia; Autosomal dominant hypocalcemia 1. Last evaluated: 2025-02-02. Review status: criteria provided, single submitter. Criteria: Invitae Variant Classification Sherloc (09022015). Collection method: clinical testing. Allele origin: germline.
Comment: This sequence change replaces isoleucine, which is neutral and non-polar, with methionine, which is neutral and non-polar, at codon 777 of the CASR protein (p.Ile777Met). This variant is not present in population databases (gnomAD no frequency). This variant has not been reported in the literature in individuals affected with CASR-related conditions. An algorithm developed to predict the effect of missense changes on protein structure and function (PolyPhen-2) suggests that this variant is likely to be disruptive. In summary, the available evidence is currently insufficient to determine the role of this variant in disease. Therefore, it has been classified as a Variant of Uncertain Significance.

NM_000388.4(CASR):c.2331C>G (p.Ile777Met)

Gene: CASR (calcium sensing receptor; plus strand). Cytogenetic location: 3q21.1.
Variant type: single nucleotide variant.
Coding change: c.2331C>G on transcript NM_000388.4 (MANE Select); coding-DNA position 2331, C replaced by G.
Protein change: p.Ile777Met; replaces isoleucine 777 with methionine.
Molecular consequence: missense variant.
Genome position (GRCh38, 1-based): chr3:122,284,285, C>G. VCF-style: chr3-122284285-C-G. GRCh37 (hg19) VCF-style: chr3-122003132-C-G.
Other names: c.2361C>G, p.Ile787Met (NM_001178065.2); short protein forms I787M, I777M.
Identifiers: ClinVar variation 4784044 (VCV004784044.1).
Genomic context (GRCh38, chr3:122,284,285, plus strand): 5'-GGATGAGATCATCTTCATCACGTGCCACGAGGGCTCCCTCATGGCCCTGGGCTTCCTGAT[C>G]GGCTACACCTGCCTGCTGGCTGCCATCTGCTTCTTCTTTGCCTTCAAGTCCCGGAAGCTG-3'
Protein context (NP_000379.3, residues 767-787): EGSLMALGFL[Ile777Met]GYTCLLAAIC